The following is an entry in ClinVar:

ClinVar aggregate classification (germline): Uncertain significance (1 of 4 stars; one submission).

Conditions:
Spastic paraplegia. Identifiers: MedGen C0037772, HP:0001258.

gnomAD v4.1: 1 of 1,614,134 alleles (0.000062%); highest among the groups gnomAD compares: Non-Finnish European, 0.000085%; no homozygotes.

Submission:

Labcorp Genetics (formerly Invitae), Labcorp
Classification: Uncertain significance for Spastic paraplegia. Last evaluated: 2021-09-01. Review status: criteria provided, single submitter. Criteria: Invitae Variant Classification Sherloc (09022015). Collection method: clinical testing. Allele origin: germline.
Comment: This sequence change falls in intron 30 of the ZFYVE26 gene. It does not directly change the encoded amino acid sequence of the ZFYVE26 protein. It affects a nucleotide within the consensus splice site of the intron. This variant is not present in population databases (ExAC no frequency). This variant has not been reported in the literature in individuals affected with ZFYVE26-related conditions. ClinVar contains an entry for this variant (Variation ID: 241052). Variants that disrupt the consensus splice site are a relatively common cause of aberrant splicing (PMID: 17576681, 9536098). Algorithms developed to predict the effect of sequence changes on RNA splicing suggest that this variant is not likely to affect RNA splicing. In summary, the available evidence is currently insufficient to determine the role of this variant in disease. Therefore, it has been classified as a Variant of Uncertain Significance.

Literature cited by the submitters: PubMed 17576681; PubMed 9536098.

NM_015346.4(ZFYVE26):c.5654-3C>T

Gene: ZFYVE26 (zinc finger FYVE-type containing 26; minus strand). Cytogenetic location: 14q24.1.
Variant type: single nucleotide variant.
Coding change: c.5654-3C>T on transcript NM_015346.4 (MANE Select); 3 bases into the intron before coding-DNA position 5654, C replaced by T.
Molecular consequence: intron variant.
Genome position (GRCh38, 1-based): chr14:67,767,843, G>A on the plus strand (C>T on the coding strand, the complement: ZFYVE26 is on the minus strand). VCF-style: chr14-67767843-G-A. GRCh37 (hg19) VCF-style: chr14-68234560-G-A.
Identifiers: ClinVar variation 241052 (VCV000241052.6), dbSNP rs878855014, ClinGen allele CA10583178.